The following is an entry in ClinVar:

NM_201384.3(PLEC):c.464C>T (p.Ser155Leu)

Gene: PLEC (plectin; minus strand). Cytogenetic location: 8q24.3.
Variant type: single nucleotide variant.
Coding change: c.464C>T on transcript NM_201384.3 (MANE Select); coding-DNA position 464, C replaced by T.
Protein change: p.Ser155Leu; replaces serine 155 with leucine.
Molecular consequence: missense variant.
Genome position (GRCh38, 1-based): chr8:143,935,986, G>A on the plus strand (C>T on the coding strand, the complement: PLEC is on the minus strand). VCF-style: chr8-143935986-G-A. GRCh37 (hg19) VCF-style: chr8-145010154-G-A.
Other names: c.545C>T, p.Ser182Leu (NM_000445.5); c.422C>T, p.Ser141Leu (NM_201378.4); c.398C>T, p.Ser133Leu (NM_201379.3); c.875C>T, p.Ser292Leu (NM_201380.4); c.368C>T, p.Ser123Leu (NM_201381.3); c.464C>T, p.Ser155Leu (NM_201382.4); c.476C>T, p.Ser159Leu (NM_201383.3); short protein forms S123L, S292L, S133L, S155L, S182L, S141L, S159L.
Identifiers: ClinVar variation 1469034 (VCV001469034.9), dbSNP rs377048540, ClinGen allele CA4928424.
Genomic context (GRCh38, chr8:143,935,986, plus strand): 5'-TACCCCTCCACCATTCGCTGCGACCACAGCAGCAGCTTCTCCTTGGCCGTCATGTCCTCC[G>A]ACTGCCCACTCACCTGGATATCTGAGATCTGCTCACAGCAGAGAGGAGGCCACAGCTCAG-3'
Protein context (NP_958786.1, residues 145-165): QISDIQVSGQ[Ser155Leu]EDMTAKEKLL

ClinVar aggregate classification (germline): Conflicting classifications of pathogenicity. Review status: criteria provided, conflicting classifications (1 of 4 stars). 2 submissions from 2 submitters: Uncertain significance (1); Likely benign (1). Last evaluated 2024-09-23.

Conditions:
Autosomal recessive limb-girdle muscular dystrophy type 2Q (LGMDR17). Also called: MUSCULAR DYSTROPHY, LIMB-GIRDLE, AUTOSOMAL RECESSIVE 17. Identifiers: Orphanet 254361, MedGen C3150989, MONDO:0013390, OMIM 613723.
Epidermolysis bullosa simplex 5C, with pyloric atresia (EBS5C). Also called: PLEC1-Related Epidermolysis Bullosa with Pyloric Atresia; PLEC-Related Epidermolysis Bullosa with Pyloric Atresia; Epidermolysis bullosa simplex with pyloric atresia. Identifiers: Orphanet 158684, MedGen C2677349, MONDO:0012807, OMIM 612138.
Epidermolysis bullosa simplex, Ogna type (EBS5A). Also called: Pidermolysis bullosa simplex 5A, Ogna type; EPIDERMOLYSIS BULLOSA SIMPLEX 5A, OGNA TYPE. Identifiers: Orphanet 79401, MedGen C0432317, MONDO:0007555, OMIM 131950.
Epidermolysis bullosa simplex with nail dystrophy (EBS5D). Identifiers: MedGen C4225309, MONDO:0014661, OMIM 616487.
Epidermolysis bullosa simplex 5B, with muscular dystrophy (EBS5B). Also called: Epidermolysis bullosa simplex with muscular dystrophy; EPIDERMOLYSIS BULLOSA SIMPLEX AND LIMB-GIRDLE MUSCULAR DYSTROPHY. Identifiers: Orphanet 257, MedGen C2931072, MONDO:0009181, OMIM 226670.

Allele frequency attached by ClinVar (database versions not stated): ExAC 0.00003; gnomAD 0.00004; TOPMed 0.00004; ESP Exome Variant Server 0.00008.
gnomAD v4.1: 128 of 1,612,424 alleles (0.0079%); highest among the groups gnomAD compares: Non-Finnish European, 0.0095%; no homozygotes.

Submissions (2):

Labcorp Genetics (formerly Invitae), Labcorp
Classification: Uncertain significance for Autosomal recessive limb-girdle muscular dystrophy type 2Q; Epidermolysis bullosa simplex, Ogna type; Epidermolysis bullosa simplex with nail dystrophy; Epidermolysis bullosa simplex 5C, with pyloric atresia; Epidermolysis bullosa simplex 5B, with muscular dystrophy. Last evaluated: 2024-09-23. Review status: criteria provided, single submitter. Criteria: Invitae Variant Classification Sherloc (09022015). Collection method: clinical testing. Allele origin: germline.
Comment: This sequence change replaces serine, which is neutral and polar, with leucine, which is neutral and non-polar, at codon 182 of the PLEC protein (p.Ser182Leu). This variant is present in population databases (rs377048540, gnomAD 0.02%). This variant has not been reported in the literature in individuals affected with PLEC-related conditions. ClinVar contains an entry for this variant (Variation ID: 1469034). Experimental studies and prediction algorithms are not available or were not evaluated, and the functional significance of this variant is currently unknown. In summary, the available evidence is currently insufficient to determine the role of this variant in disease. Therefore, it has been classified as a Variant of Uncertain Significance.

Blueprint Genetics
Classification: Likely benign. Last evaluated: 2023-12-29. Review status: criteria provided, single submitter. Criteria: ACMG Guidelines, 2015. Collection method: clinical testing. Allele origin: germline.